The following is an entry in ClinVar:

NM_000152.5(GAA):c.1421_1424del (p.Gln474fs)

Gene: GAA (alpha glucosidase; plus strand). Cytogenetic location: 17q25.3.
Variant type: Deletion.
Coding change: c.1421_1424del on transcript NM_000152.5 (MANE Select); coding-DNA positions 1421 to 1424, 4 bases deleted (AGCC; older notation c.1421_1424delAGCC).
Protein change: p.Gln474fs; shifts the reading frame from glutamine 474.
Molecular consequence: frameshift variant.
Genome position (GRCh38, 1-based): chr17:80,110,039-80,110,042, AGCC deleted; deleting any 4 consecutive bases within chr17:80,110,036-80,110,042 gives the same sequence; the c. name uses the placement nearest the transcript's 3' end. VCF-style (leftmost placement, unchanged base first): chr17-80110035-GGCCA-G. GRCh37 (hg19) VCF-style: chr17-78083834-GGCCA-G.
Other names: c.1421_1424del, p.Gln474fs (NM_001079803.3, NM_001079804.3, NM_001406741.1 and 1 more transcripts); short protein forms Q474fs.
Identifiers: ClinVar variation 4731862 (VCV004731862.1).

ClinVar aggregate classification (germline): Pathogenic (1 of 4 stars; one submission).

Conditions:
Glycogen storage disease, type II (IOPD). Also called: Aglucosidase alfa; Deficiency of alpha-glucosidase; POMPE DISEASE, INFANTILE-ONSET; GLYCOGEN STORAGE DISEASE II, INFANTILE-ONSET; ACID ALPHA-GLUCOSIDASE DEFICIENCY, INFANTILE-ONSET; GAA DEFICIENCY, INFANTILE-ONSET. Identifiers: Orphanet 365, MedGen C0017921, MONDO:0009290, OMIM 232300.

Submission:

Labcorp Genetics (formerly Invitae), Labcorp
Classification: Pathogenic for Glycogen storage disease, type II. Last evaluated: 2025-11-24. Review status: criteria provided, single submitter. Criteria: Invitae Variant Classification Sherloc (09022015). Collection method: clinical testing. Allele origin: germline.
Comment: This sequence change creates a premature translational stop signal (p.Gln474Argfs*2) in the GAA gene. It is expected to result in an absent or disrupted protein product. Loss-of-function variants in GAA are known to be pathogenic (PMID: 18425781, 22252923). This variant is not present in population databases (gnomAD no frequency). This variant has not been reported in the literature in individuals affected with GAA-related conditions. For these reasons, this variant has been classified as Pathogenic.

Literature cited by the submitters: PubMed 18425781; PubMed 22252923.